The following is an entry in ClinVar:

ClinVar aggregate classification (germline): Likely benign (1 of 4 stars; one submission).

Allele frequency attached by ClinVar (database versions not stated): ExAC 0.00001.
gnomAD v4.1: 3 of 1,613,760 alleles (0.00019%); highest among the groups gnomAD compares: East Asian, 0.0022%; no homozygotes.

Submission:

CeGaT Center for Human Genetics Tuebingen
Classification: Likely benign. Last evaluated: 2023-03-01. Review status: criteria provided, single submitter. Criteria: CeGaT Center For Human Genetics Tuebingen Variant Classification Criteria Version 2. Collection method: clinical testing. Allele origin: germline. Affected: yes. Observed: 1 variant allele.
Comment: KIF14: BP4, BP7

NM_014875.3(KIF14):c.1068T>C (p.Asn356=)

Gene: KIF14 (kinesin family member 14; minus strand). Cytogenetic location: 1q32.1.
Variant type: single nucleotide variant.
Coding change: c.1068T>C on transcript NM_014875.3 (MANE Select); coding-DNA position 1068, T replaced by C.
Protein change: p.Asn356=; no amino-acid change (asparagine 356 retained).
Molecular consequence: synonymous variant. On other transcripts: 5 prime UTR variant (1).
Genome position (GRCh38, 1-based): chr1:200,617,656, A>G on the plus strand (T>C on the coding strand, the complement: KIF14 is on the minus strand). VCF-style: chr1-200617656-A-G. GRCh37 (hg19) VCF-style: chr1-200586784-A-G.
Other names: c.-318T>C (NM_001305792.1).
Identifiers: ClinVar variation 2639724 (VCV002639724.24), dbSNP rs765659178, ClinGen allele CA1317916.